The following is an entry in ClinVar:

ClinVar aggregate classification (germline): Uncertain significance. Review status: criteria provided, multiple submitters, no conflicts (2 of 4 stars). 2 submissions from 2 submitters: Uncertain significance (2). Last evaluated 2025-07-30.

Conditions:
Hereditary cancer-predisposing syndrome. Also called: Hereditary neoplastic syndrome; Tumor predisposition; Hereditary Cancer Syndrome; Neoplastic Syndromes, Hereditary. Identifiers: Orphanet 140162, MedGen C0027672, MeSH D009386, MONDO:0015356.
Gorlin syndrome. Also called: Nevoid Basal Cell Carcinoma Syndrome; Basal cell nevus syndrome. Identifiers: Orphanet 377, MedGen C0004779, MONDO:0007187.

Allele frequency attached by ClinVar (database versions not stated): gnomAD exomes below 0.00001.
gnomAD v4.1: 4 of 1,614,242 alleles (0.00025%); highest among the groups gnomAD compares: Non-Finnish European, 0.00034%; no homozygotes.

Submissions (2):

Labcorp Genetics (formerly Invitae), Labcorp
Classification: Uncertain significance for Gorlin syndrome. Last evaluated: 2025-07-30. Review status: criteria provided, single submitter. Criteria: Invitae Variant Classification Sherloc (09022015). Collection method: clinical testing. Allele origin: germline.
Comment: This sequence change replaces tyrosine, which is neutral and polar, with cysteine, which is neutral and slightly polar, at codon 831 of the PTCH1 protein (p.Tyr831Cys). This variant is not present in population databases (gnomAD no frequency). This variant has not been reported in the literature in individuals affected with PTCH1-related conditions. ClinVar contains an entry for this variant (Variation ID: 1425690). Invitae Evidence Modeling of protein sequence and biophysical properties (such as structural, functional, and spatial information, amino acid conservation, physicochemical variation, residue mobility, and thermodynamic stability) has been performed for this missense variant. However, the output from this modeling did not meet the statistical confidence thresholds required to predict the impact of this variant on PTCH1 protein function. In summary, the available evidence is currently insufficient to determine the role of this variant in disease. Therefore, it has been classified as a Variant of Uncertain Significance.

Ambry Genetics
Classification: Uncertain significance for Hereditary cancer-predisposing syndrome. Last evaluated: 2023-04-23. Review status: criteria provided, single submitter. Criteria: Ambry Variant Classification Scheme 2023. Collection method: clinical testing. Allele origin: germline.
Comment: The p.Y831C variant (also known as c.2492A>G), located in coding exon 15 of the PTCH1 gene, results from an A to G substitution at nucleotide position 2492. The tyrosine at codon 831 is replaced by cysteine, an amino acid with highly dissimilar properties. This amino acid position is conserved. In addition, this alteration is predicted to be deleterious by in silico analysis. Since supporting evidence is limited at this time, the clinical significance of this alteration remains unclear.

NM_000264.5(PTCH1):c.2492A>G (p.Tyr831Cys)

Genes: PTCH1 (patched 1; minus strand), LOC100507346 (uncharacterized LOC100507346; plus strand). Cytogenetic location: 9q22.32.
Variant type: single nucleotide variant.
Coding change: c.2492A>G on transcript NM_000264.5 (MANE Select); coding-DNA position 2492, A replaced by G.
Protein change: p.Tyr831Cys; replaces tyrosine 831 with cysteine.
Molecular consequence: missense variant. On other transcripts: non-coding transcript variant (2).
Genome position (GRCh38, 1-based): chr9:95,467,184, T>C on the plus strand (A>G on the coding strand, the complement: PTCH1 is on the minus strand). VCF-style: chr9-95467184-T-C. GRCh37 (hg19) VCF-style: chr9-98229466-T-C.
Other names: c.2294A>G, p.Tyr765Cys (NM_001083602.3); c.2489A>G, p.Tyr830Cys (NM_001083603.3); c.2039A>G, p.Tyr680Cys (NM_001083604.3, NM_001083605.3, NM_001083606.3 and 1 more transcripts); c.2336A>G, p.Tyr779Cys (NM_001354918.2); c.2492A>G (NM_000264.3); short protein forms Y680C, Y779C, Y831C, Y765C, Y830C.
Identifiers: ClinVar variation 1425690 (VCV001425690.8), dbSNP rs2117951860, ClinGen allele CA374113941.